The following is an entry in ClinVar:

NM_015512.5(DNAH1):c.11495= (p.Arg3832=)

Gene: DNAH1 (dynein axonemal heavy chain 1; plus strand). Cytogenetic location: 3p21.1.
Variant type: single nucleotide variant.
Coding change: c.11495= on transcript NM_015512.5 (MANE Select); coding-DNA position 11495, no change from the reference sequence.
Protein change: p.Arg3832=; no amino-acid change (arginine 3832 retained).
Molecular consequence: no sequence alteration.
Genome position: GRCh38 VCF-style: chr3-52396682-G-G. GRCh37 (hg19) VCF-style: chr3-52430698-A-G.
Identifiers: ClinVar variation 402605 (VCV000402605.16), dbSNP rs1704644099.

ClinVar aggregate classification (germline): Benign. Review status: criteria provided, multiple submitters, no conflicts (2 of 4 stars). 6 submissions from 5 submitters: Benign (6). Last evaluated 2026-02-04.

Conditions:
Spermatogenic failure 18. Identifiers: MedGen C4539783, MONDO:0054615, OMIM 617576.
Ciliary dyskinesia, primary, 37 (CILD37). Also called: CILIARY DYSKINESIA, PRIMARY, 37, WITH OR WITHOUT SITUS INVERSUS. Identifiers: MedGen C4539798, MONDO:0033204, OMIM 617577.

Allele frequency attached by ClinVar (database versions not stated): TOPMed 0.99462; 1000 Genomes Project 30x 0.99594; gnomAD exomes 0.99915 and 1.00000.

Submissions (6):

Labcorp Genetics (formerly Invitae), Labcorp
Classification: Benign for Ciliary dyskinesia, primary, 37; Spermatogenic failure 18. Last evaluated: 2026-02-04. Review status: criteria provided, single submitter. Criteria: Invitae Variant Classification Sherloc (09022015). Collection method: clinical testing. Allele origin: germline.

Blueprint Genetics
Classification: Benign. Last evaluated: 2024-11-26. Review status: criteria provided, single submitter. Criteria: ACMG Guidelines, 2015. Collection method: clinical testing. Allele origin: germline.

Genome-Nilou Lab
Classification: Benign for Ciliary dyskinesia, primary, 37. Last evaluated: 2021-07-30. Review status: criteria provided, single submitter. Criteria: ACMG Guidelines, 2015. Collection method: clinical testing. Allele origin: germline. Affected: no.

Genome-Nilou Lab
Classification: Benign for Spermatogenic failure 18. Last evaluated: 2021-07-30. Review status: criteria provided, single submitter. Criteria: ACMG Guidelines, 2015. Collection method: clinical testing. Allele origin: germline. Affected: no.

Laboratory for Molecular Medicine, Mass General Brigham Personalized Medicine
Classification: Benign. Last evaluated: 2016-03-29. Review status: criteria provided, single submitter. Criteria: LMM Criteria. Collection method: clinical testing. Allele origin: germline.
Comment: Variant identified in a genome or exome case(s) and assessed due to predicted null impact of the variant or pathogenic assertions in the literature or databases. Disclaimer: This variant has not undergone full assessment. The following are preliminary notes: MAF

Breakthrough Genomics
Classification: Benign. Review status: criteria provided, single submitter. Criteria: ACMG Guidelines, 2015. Collection method: not provided. Allele origin: germline. Inheritance: Autosomal recessive inheritance. Affected: yes.